The following is an entry in ClinVar:

ClinVar aggregate classification (germline): Pathogenic (1 of 4 stars; one submission).

Conditions:
X-linked Alport syndrome (ATS1). Also called: COL4A5-Related Nephropathy; NEPHROPATHY AND DEAFNESS, X-LINKED. Identifiers: Orphanet 63, Orphanet 88917, MedGen C4746986, MONDO:0010520, OMIM 301050.

Submission:

Victorian Clinical Genetics Services, Murdoch Childrens Research Institute
Classification: Pathogenic for X-linked Alport syndrome. Last evaluated: 2022-02-02. Review status: criteria provided, single submitter. Criteria: ACMG Guidelines, 2015. Collection method: clinical testing. Allele origin: germline. Inheritance: X-linked inheritance.
Comment: Based on the classification scheme VCGS_Germline_v1.3.4, this variant is classified as Pathogenic. Following criteria are met: 0103 - Dominant negative and loss of function are known mechanisms of disease in this gene and are associated with X-linked Alport syndrome 1 (MIM#301050). A dominant negative disease mechanism is generally the result of glycine substitutions that affect the conformation of the protein. A loss of function mechanism of disease can be caused by either missense variants or variants that result in a premature termination codon (PMID: 24046192, 12028435). (I) 0110 - This gene is associated with X-linked dominant disease. Males are typically more severely affected than females (PMID: 19965530). (I) 0115 - Variants in this gene are known to have variable expressivity (PMID: 19965530). (I) 0201 - Variant is predicted to cause nonsense-mediated decay (NMD) and loss of protein (premature termination codon is located at least 54 nucleotides upstream of the final exon-exon junction). (SP) 0251 - This variant is heterozygous. (I) 0301 - Variant is absent from gnomAD (both v2 and v3). (SP) 0701 - Other NMD predicted variants comparable to the one identified in this case have very strong previous evidence for pathogenicity (ClinVar). (SP) 0807 - This variant has no previous evidence of pathogenicity. However, a different codon change which results in the same protein change has been reported as pathogenic (LOVD). (I) 0905 - No published segregation evidence has been identified for this variant. (I) 1007 - No published functional evidence has been identified for this variant. (I) 1208 - Inheritance information for this variant is not currently available in this individual. (I) Legend: (SP) - Supporting pathogenic, (I) - Information, (SB) - Supporting benign

Literature cited by the submitters: PubMed 12028435; PubMed 19965530; PubMed 24046192.

NM_033380.3(COL4A5):c.3689dup (p.Gly1232fs)

Gene: COL4A5 (collagen type IV alpha 5 chain; plus strand). Cytogenetic location: Xq22.3.
Variant type: Duplication.
Coding change: c.3689dup on transcript NM_033380.3 (MANE Select); coding-DNA position 3689, one base duplicated (T; older notation c.3689dupT).
Protein change: p.Gly1232fs; shifts the reading frame from glycine 1232.
Molecular consequence: frameshift variant.
Genome position (GRCh38, 1-based): chrX:108,668,403, T duplicated; the last of 3 consecutive T bases (chrX:108,668,401-108,668,403); duplicating any one gives the same sequence. VCF-style (leftmost placement, unchanged base first): chrX-108668400-G-GT. GRCh37 (hg19) VCF-style: chrX-107911630-G-GT.
Other names: c.3689dup, p.Gly1232fs (NM_000495.5); short protein forms G1232fs.
Identifiers: ClinVar variation 3254615 (VCV003254615.2), dbSNP rs2524575302.